The following is an entry in ClinVar:

ClinVar aggregate classification (germline): Pathogenic (1 of 4 stars; one submission).

gnomAD v4.1: 2 of 1,525,452 alleles (0.00013%); highest among the groups gnomAD compares: Admixed American, 0.0034%; no homozygotes.

Submission:

Dasa
Classification: Pathogenic. Last evaluated: 2026-02-18. Review status: criteria provided, single submitter. Criteria: DASA Assertion Criteria. Collection method: clinical testing. Allele origin: germline.
Comment: NM_003477.3(PDHX):c.965-1G>A affects a canonical splice site and is predicted to disrupt normal RNA splicing. Loss of function is an established disease mechanism for PDHX-associated disorders. Segregation data support an association with disease in the reported family/families (PMID: 31683770; PMID: 21914562; PMID: 16843025). This variant has been recurrently observed in individuals with PDHX-related disorders (PMID: 31683770; PMID: 21914562; PMID: 16843025). Also, this variant is rare in population databases. Based on the currently available evidence, this variant is classified as pathogenic.

Literature cited by the submitters: PubMed 31683770; PubMed 21914562; PubMed 16843025.

NM_003477.3(PDHX):c.965-1G>A

Gene: PDHX (pyruvate dehydrogenase complex component X; plus strand). Cytogenetic location: 11p13.
Variant type: single nucleotide variant.
Coding change: c.965-1G>A on transcript NM_003477.3 (MANE Select); the canonical splice acceptor site of the intron before coding-DNA position 965, G replaced by A.
Molecular consequence: splice acceptor variant. On other transcripts: intron variant (1).
Genome position (GRCh38, 1-based): chr11:34,978,123, G>A. VCF-style: chr11-34978123-G-A. GRCh37 (hg19) VCF-style: chr11-34999670-G-A.
Other names: c.785-1G>A (NM_001135024.2); c.343-6447G>A (NM_001166158.2).
Identifiers: ClinVar variation 4883162 (VCV004883162.2).